The following is an entry in ClinVar:

NM_016553.5(NUP62):c.935C>T (p.Ala312Val)

Genes: IL4I1 (interleukin 4 induced 1; minus strand), NUP62 (nucleoporin 62; minus strand). Cytogenetic location: 19q13.33.
Variant type: single nucleotide variant.
Coding change: c.935C>T on transcript NM_016553.5 (MANE Select); coding-DNA position 935, C replaced by T.
Protein change: p.Ala312Val; replaces alanine 312 with valine.
Molecular consequence: missense variant. On other transcripts: intron variant (3).
Genome position (GRCh38, 1-based): chr19:49,908,873, G>A on the plus strand (C>T on the coding strand, the complement: NUP62 is on the minus strand). VCF-style: chr19-49908873-G-A. GRCh37 (hg19) VCF-style: chr19-50412130-G-A.
Other names: c.935C>T, p.Ala312Val (NM_001193357.2, NM_012346.5, NM_153718.4 and 1 more transcripts); c.-227-4552C>T (NM_001258017.2, NM_172374.3); c.-285-4552C>T (NM_001258018.2); short protein forms A312V.
Identifiers: ClinVar variation 1381767 (VCV001381767.7), dbSNP rs2122595732, ClinGen allele CA406925334.

ClinVar aggregate classification (germline): Uncertain significance (1 of 4 stars; one submission).

Submission:

Labcorp Genetics (formerly Invitae), Labcorp
Classification: Uncertain significance. Last evaluated: 2021-09-23. Review status: criteria provided, single submitter. Criteria: Invitae Variant Classification Sherloc (09022015). Collection method: clinical testing. Allele origin: germline.
Comment: This sequence change replaces alanine with valine at codon 312 of the NUP62 protein (p.Ala312Val). The alanine residue is weakly conserved and there is a small physicochemical difference between alanine and valine. This variant is not present in population databases (ExAC no frequency). This variant has not been reported in the literature in individuals affected with NUP62-related conditions. Algorithms developed to predict the effect of missense changes on protein structure and function output the following: SIFT: "Tolerated"; PolyPhen-2: "Benign"; Align-GVGD: "Class C0". The valine amino acid residue is found in multiple mammalian species, which suggests that this missense change does not adversely affect protein function. In summary, the available evidence is currently insufficient to determine the role of this variant in disease. Therefore, it has been classified as a Variant of Uncertain Significance.